The following is an entry in ClinVar:

ClinVar aggregate classification (germline): Uncertain significance (1 of 4 stars; one submission).

Conditions:
GLI3-related disorder. Also called: GLI3-related condition; GLI3-related disorders. Identifiers: MedGen CN239292.

Submission:

PreventionGenetics, part of Exact Sciences
Classification: Uncertain significance for GLI3-related condition. Last evaluated: 2025-03-27. Review status: criteria provided, single submitter. Criteria: ACMG Guidelines, 2015. Collection method: clinical testing. Allele origin: germline.
Comment: The GLI3 c.1461C>G variant is predicted to result in the amino acid substitution p.Cys487Trp. To our knowledge, this variant has not been reported in the literature or in a large population database (gnomAD), indicating this variant is rare. At this time, the clinical significance of this variant is uncertain due to the absence of conclusive functional and genetic evidence.

NM_000168.6(GLI3):c.1461C>G (p.Cys487Trp)

Gene: GLI3 (GLI family zinc finger 3; minus strand). Cytogenetic location: 7p14.1.
Variant type: single nucleotide variant.
Coding change: c.1461C>G on transcript NM_000168.6 (MANE Select); coding-DNA position 1461, C replaced by G.
Protein change: p.Cys487Trp; replaces cysteine 487 with tryptophan.
Molecular consequence: missense variant.
Genome position (GRCh38, 1-based): chr7:42,023,504, G>C on the plus strand (C>G on the coding strand, the complement: GLI3 is on the minus strand). VCF-style: chr7-42023504-G-C. GRCh37 (hg19) VCF-style: chr7-42063103-G-C.
Other names: short protein forms C487W.
Identifiers: ClinVar variation 5001366 (VCV005001366.1).
Genomic context (GRCh38, chr7:42,023,504, plus strand): 5'-GGTTCCTGAATACCATCCACTTACGTGCACAAGCTGCTCTTGGGTGTCGAACTCCCTCGC[G>C]CAGCCTTCCCAGTGGCAGTTTGTCTCATAGATGACTTCAGGCTCCTGTTTGCTTTCATCT-3'
Protein context (NP_000159.3, residues 477-497): IYETNCHWEG[Cys487Trp]AREFDTQEQL